The following is an entry in ClinVar:

NM_015267.4(CUX2):c.4007C>T (p.Pro1336Leu)

Gene: CUX2 (cut like homeobox 2; plus strand). Cytogenetic location: 12q24.12.
Variant type: single nucleotide variant.
Coding change: c.4007C>T on transcript NM_015267.4 (MANE Select); coding-DNA position 4007, C replaced by T.
Protein change: p.Pro1336Leu; replaces proline 1336 with leucine.
Molecular consequence: missense variant.
Genome position (GRCh38, 1-based): chr12:111,347,871, C>T. VCF-style: chr12-111347871-C-T. GRCh37 (hg19) VCF-style: chr12-111785675-C-T.
Other names: c.3821C>T, p.Pro1274Leu (NM_001370598.1); c.4007C>T (NM_015267.3); short protein forms P1274L, P1336L.
Identifiers: ClinVar variation 2643314 (VCV002643314.26), dbSNP rs372685449, ClinGen allele CA6789273.

ClinVar aggregate classification (germline): Likely benign. Review status: criteria provided, multiple submitters, no conflicts (2 of 4 stars). 3 submissions from 3 submitters: Likely benign (3). Last evaluated 2024-06-27.

Conditions:
Inborn genetic diseases. Identifiers: MedGen C0950123, MeSH D030342.

Allele frequency attached by ClinVar (database versions not stated): gnomAD 0.00001; gnomAD exomes 0.00003.
gnomAD v4.1: 41 of 1,614,002 alleles (0.0025%); highest among the groups gnomAD compares: Middle Eastern, 0.016%; 1 homozygote.

Submissions (3):

Blueprint Genetics
Classification: Likely benign. Last evaluated: 2024-06-27. Review status: criteria provided, single submitter. Criteria: ACMG Guidelines, 2015. Collection method: clinical testing. Allele origin: germline.

Ambry Genetics
Classification: Likely benign for Inborn genetic diseases. Last evaluated: 2023-10-10. Review status: criteria provided, single submitter. Criteria: Ambry Variant Classification Scheme 2023. Collection method: clinical testing. Allele origin: germline.

CeGaT Center for Human Genetics Tuebingen
Classification: Likely benign. Last evaluated: 2023-10-01. Review status: criteria provided, single submitter. Criteria: CeGaT Center For Human Genetics Tuebingen Variant Classification Criteria Version 2. Collection method: clinical testing. Allele origin: germline. Affected: yes. Observed: 1 variant allele.
Comment: CUX2: BP4